The following is an entry in ClinVar:

NM_021098.3(CACNA1H):c.1609_1617del (p.Arg537_Pro539del)

Gene: CACNA1H (calcium voltage-gated channel subunit alpha1 H; plus strand). Cytogenetic location: 16p13.3.
Variant type: Deletion.
Coding change: c.1609_1617del on transcript NM_021098.3 (MANE Select); coding-DNA positions 1609 to 1617, 9 bases deleted (CGCAGGCCC; older notation c.1609_1617delCGCAGGCCC).
Protein change: p.Arg537_Pro539del.
Molecular consequence: inframe deletion.
Genome position (GRCh38, 1-based): chr16:1,202,059-1,202,067, CGCAGGCCC deleted; deleting any 9 consecutive bases within chr16:1,202,056-1,202,067 gives the same sequence; the c. name uses the placement nearest the transcript's 3' end. VCF-style (leftmost placement, unchanged base first): chr16-1202055-CCCCCGCAGG-C. GRCh37 (hg19) VCF-style: chr16-1252055-CCCCCGCAGG-C.
Other names: c.1609_1617del, p.Arg537_Pro539del (NM_001005407.2).
Identifiers: ClinVar variation 1318717 (VCV001318717.2), dbSNP rs2141258642, ClinGen allele CA2573054135.
Genomic context (GRCh38, chr16:1,202,055, plus strand): 5'-CCACCTGGTCTACCACCACCATCACCACCACCACCACCACTACCATTTCAGCCATGGCAG[CCCCCGCAGG>C]CCCGGCCCCGAGCCAGGCGCCTGCGACACCAGGCTGGTCCGAGCTGGCGCGCCCCCCTCG-3'

ClinVar aggregate classification (germline): Uncertain significance (1 of 4 stars; one submission).

Submission:

GeneDx
Classification: Uncertain significance. Last evaluated: 2020-10-13. Review status: criteria provided, single submitter. Criteria: GeneDx Variant Classification Process June 2021. Collection method: clinical testing. Allele origin: germline. Affected: yes.
Comment: Not observed in large population cohorts (Lek et al., 2016); In-frame deletion of 3 amino acids in a non-repeat region; In silico analysis, which includes protein predictors and evolutionary conservation, supports a deleterious effect; Has not been previously published as pathogenic or benign to our knowledge